The following is an entry in ClinVar:

NM_182931.3(KMT2E):c.311C>G (p.Thr104Ser)

Gene: KMT2E (lysine methyltransferase 2E (inactive); plus strand). Cytogenetic location: 7q22.3.
Variant type: single nucleotide variant.
Coding change: c.311C>G on transcript NM_182931.3 (MANE Select); coding-DNA position 311, C replaced by G.
Protein change: p.Thr104Ser; replaces threonine 104 with serine.
Molecular consequence: missense variant.
Genome position (GRCh38, 1-based): chr7:105,063,475, C>G. VCF-style: chr7-105063475-C-G. GRCh37 (hg19) VCF-style: chr7-104703922-C-G.
Other names: c.311C>G, p.Thr104Ser (NM_001410908.1, NM_018682.4); short protein forms T104S.
Identifiers: ClinVar variation 3346887 (VCV003346887.1).

ClinVar aggregate classification (germline): Uncertain significance (0 of 4 stars; one submission).

Conditions:
KMT2E-related disorder. Also called: KMT2E-related condition.

Submission:

PreventionGenetics, part of Exact Sciences
Classification: Uncertain significance for KMT2E-related condition. Last evaluated: 2024-07-03. Review status: no assertion criteria provided. Collection method: clinical testing. Allele origin: germline.
Comment: The KMT2E c.311C>G variant is predicted to result in the amino acid substitution p.Thr104Ser. To our knowledge, this variant has not been reported in the literature or in a large population database, indicating this variant is rare. At this time, the clinical significance of this variant is uncertain due to the absence of conclusive functional and genetic evidence.